The following is an entry in ClinVar:

ClinVar aggregate classification (germline): Uncertain significance (1 of 4 stars; one submission).

Conditions:
Inborn genetic diseases. Identifiers: MedGen C0950123, MeSH D030342.

Submission:

Ambry Genetics
Classification: Uncertain significance for Inborn genetic diseases. Last evaluated: 2023-05-18. Review status: criteria provided, single submitter. Criteria: Ambry Variant Classification Scheme 2023. Collection method: clinical testing. Allele origin: germline.
Comment: The p.G36S variant (also known as c.106G>A) is located in coding exon 3 of the ERCC2 gene. The glycine at codon 36 is replaced by serine, an amino acid with similar properties. This change occurs in the first base pair of coding exon 3. This amino acid position is conserved. In addition, the in silico prediction for this alteration is inconclusive. Since supporting evidence is limited at this time, the clinical significance of this alteration remains unclear.

NM_000400.4(ERCC2):c.106G>A (p.Gly36Ser)

Gene: ERCC2 (ERCC excision repair 2, TFIIH core complex helicase subunit; minus strand). Cytogenetic location: 19q13.32.
Variant type: single nucleotide variant.
Coding change: c.106G>A on transcript NM_000400.4 (MANE Select); coding-DNA position 106, G replaced by A.
Protein change: p.Gly36Ser; replaces glycine 36 with serine.
Molecular consequence: missense variant.
Genome position (GRCh38, 1-based): chr19:45,369,147, C>T on the plus strand (G>A on the coding strand, the complement: ERCC2 is on the minus strand). VCF-style: chr19-45369147-C-T. GRCh37 (hg19) VCF-style: chr19-45872405-C-T.
Other names: c.34G>A, p.Gly12Ser (NM_001130867.2); short protein forms G12S, G36S.
Identifiers: ClinVar variation 2566700 (VCV002566700.2), dbSNP rs1972524741, ClinGen allele CA406379708.